The following is an entry in ClinVar:

ClinVar aggregate classification (germline): Likely pathogenic (1 of 4 stars; one submission).

Allele frequency attached by ClinVar (database versions not stated): gnomAD exomes below 0.00001 and 0.00001; ExAC 0.00001; gnomAD 0.00001; TOPMed 0.00001.
gnomAD v4.1: 8 of 1,608,272 alleles (0.0005%); highest among the groups gnomAD compares: Non-Finnish European, 0.00068%; no homozygotes.

Submission:

GeneDx
Classification: Likely pathogenic. Last evaluated: 2016-01-13. Review status: criteria provided, single submitter. Criteria: GeneDx Variant Classification (06012015). Collection method: clinical testing. Allele origin: germline. Affected: yes.
Comment: The G160E variant in the NDUFV1 gene has not been published as a pathogenic variant, nor has it been reported as a benign polymorphism to our knowledge. This variant was not observed in approximately 6500 individuals of European and African American ancestry in the NHLBI Exome Sequencing Project, indicating it is not a common variant in these populations.The G160E variant is a non-conservative amino acid substitution, which is likely to impact secondary protein structure as these residues differ in polarity, charge, size and/or other properties. This substitution occurs at a position that is conserved across species, and in silico analysis predicts this variant is probably damaging to the protein structure/function. The G160E variant is a strong candidate for a pathogenic variant.

NM_007103.4(NDUFV1):c.479G>A (p.Gly160Glu)

Gene: NDUFV1 (NADH:ubiquinone oxidoreductase core subunit V1; plus strand). Cytogenetic location: 11q13.2.
Variant type: single nucleotide variant.
Coding change: c.479G>A on transcript NM_007103.4 (MANE Select); coding-DNA position 479, G replaced by A.
Protein change: p.Gly160Glu; replaces glycine 160 with glutamic acid.
Molecular consequence: missense variant.
Genome position (GRCh38, 1-based): chr11:67,609,604, G>A. VCF-style: chr11-67609604-G-A. GRCh37 (hg19) VCF-style: chr11-67377075-G-A.
Other names: p.G160E:GGG>GAG; c.452G>A, p.Gly151Glu (NM_001166102.2); short protein forms G160E, G151E.
Identifiers: ClinVar variation 214856 (VCV000214856.2), dbSNP rs767602961, ClinGen allele CA323789.